The following is an entry in ClinVar:

NM_001134665.3(TRMT10A):c.495+2T>C

Gene: TRMT10A (tRNA methyltransferase 10A; minus strand). Cytogenetic location: 4q23.
Variant type: single nucleotide variant.
Coding change: c.495+2T>C on transcript NM_001134665.3 (MANE Select); the canonical splice donor site of the intron after coding-DNA position 495, T replaced by C.
Molecular consequence: splice donor variant.
Genome position (GRCh38, 1-based): chr4:99,556,144, A>G on the plus strand (T>C on the coding strand, the complement: TRMT10A is on the minus strand). VCF-style: chr4-99556144-A-G. GRCh37 (hg19) VCF-style: chr4-100477301-A-G.
Other names: c.495+2T>C (NM_001134666.3, NM_001375882.1, NM_001375881.1 and 2 more transcripts).
Identifiers: ClinVar variation 1348928 (VCV001348928.6), dbSNP rs1358214886, ClinGen allele CA357509933.

ClinVar aggregate classification (germline): Likely pathogenic (1 of 4 stars; one submission).

Allele frequency attached by ClinVar (database versions not stated): gnomAD exomes below 0.00001.
gnomAD v4.1: 1 of 1,613,130 alleles (0.000062%); no homozygotes.

Submission:

Labcorp Genetics (formerly Invitae), Labcorp
Classification: Likely pathogenic. Last evaluated: 2021-11-25. Review status: criteria provided, single submitter. Criteria: Invitae Variant Classification Sherloc (09022015). Collection method: clinical testing. Allele origin: germline.
Comment: Algorithms developed to predict the effect of sequence changes on RNA splicing suggest that this variant may disrupt the consensus splice site. This variant has not been reported in the literature in individuals affected with TRMT10A-related conditions. This variant is present in population databases (no rsID available, gnomAD no frequency). This sequence change affects a donor splice site in intron 5 of the TRMT10A gene. It is expected to disrupt RNA splicing. Variants that disrupt the donor or acceptor splice site typically lead to a loss of protein function (PMID: 16199547), and loss-of-function variants in TRMT10A are known to be pathogenic (PMID: 24204302, 26535115). In summary, the currently available evidence indicates that the variant is pathogenic, but additional data are needed to prove that conclusively. Therefore, this variant has been classified as Likely Pathogenic.

Literature cited by the submitters: PubMed 16199547; PubMed 24204302; PubMed 26535115.